The following is an entry in ClinVar:

NM_005228.5(EGFR):c.2129C>T (p.Thr710Ile)

Gene: EGFR (epidermal growth factor receptor; plus strand). Cytogenetic location: 7p11.2.
Variant type: single nucleotide variant.
Coding change: c.2129C>T on transcript NM_005228.5 (MANE Select); coding-DNA position 2129, C replaced by T.
Protein change: p.Thr710Ile; replaces threonine 710 with isoleucine.
Molecular consequence: missense variant.
Genome position (GRCh38, 1-based): chr7:55,173,988, C>T. VCF-style: chr7-55173988-C-T. GRCh37 (hg19) VCF-style: chr7-55241681-C-T.
Other names: c.1994C>T, p.Thr665Ile (NM_001346897.2, NM_001346899.2); c.2129C>T, p.Thr710Ile (NM_001346898.2); c.1970C>T, p.Thr657Ile (NM_001346900.2); c.1328C>T, p.Thr443Ile (NM_001346941.2); short protein forms T443I, T657I, T665I, T710I.
Identifiers: ClinVar variation 3693250 (VCV003693250.2).

ClinVar aggregate classification (germline): Uncertain significance (1 of 4 stars; one submission).

Conditions:
EGFR-related lung cancer (EGFR). Identifiers: MedGen CN130014.

Submission:

Labcorp Genetics (formerly Invitae), Labcorp
Classification: Uncertain significance for EGFR-related lung cancer. Last evaluated: 2024-09-29. Review status: criteria provided, single submitter. Criteria: Invitae Variant Classification Sherloc (09022015). Collection method: clinical testing. Allele origin: germline.
Comment: This sequence change replaces threonine, which is neutral and polar, with isoleucine, which is neutral and non-polar, at codon 710 of the EGFR protein (p.Thr710Ile). This variant is not present in population databases (gnomAD no frequency). This variant has not been reported in the literature in individuals affected with EGFR-related conditions. Invitae Evidence Modeling of protein sequence and biophysical properties (such as structural, functional, and spatial information, amino acid conservation, physicochemical variation, residue mobility, and thermodynamic stability) has been performed for this missense variant. However, the output from this modeling did not meet the statistical confidence thresholds required to predict the impact of this variant on EGFR protein function. In summary, the available evidence is currently insufficient to determine the role of this variant in disease. Therefore, it has been classified as a Variant of Uncertain Significance.